The following is an entry in ClinVar:

ClinVar aggregate classification (germline): Likely benign (1 of 4 stars; one submission).

Conditions:
HSD17B4-related disorder. Also called: HSD17B4-related condition; HSD17B4-related disorders.

gnomAD v4.1: 1 of 1,584,074 alleles (0.000063%); highest among the groups gnomAD compares: Non-Finnish European, 0.000087%; no homozygotes.

Submission:

PreventionGenetics, part of Exact Sciences
Classification: Likely benign for HSD17B4-related condition. Last evaluated: 2025-09-20. Review status: criteria provided, single submitter. Criteria: ACMG Guidelines, 2015. Collection method: clinical testing. Allele origin: germline.
Comment: This variant is classified as likely benign based on ACMG/AMP sequence variant interpretation guidelines (Richards et al. 2015 PMID: 25741868, with internal and published modifications).

NM_000414.4(HSD17B4):c.112+9G>A

Gene: HSD17B4 (hydroxysteroid 17-beta dehydrogenase 4; plus strand). Cytogenetic location: 5q23.1.
Variant type: single nucleotide variant.
Coding change: c.112+9G>A on transcript NM_000414.4 (MANE Select); 9 bases into the intron after coding-DNA position 112, G replaced by A.
Molecular consequence: intron variant.
Genome position (GRCh38, 1-based): chr5:119,456,377, G>A. VCF-style: chr5-119456377-G-A. GRCh37 (hg19) VCF-style: chr5-118792072-G-A.
Other names: c.-370+9G>A (NM_001374503.1); c.122+9G>A (NM_001199291.3); c.-234+9G>A (NM_001374499.1); c.-305+9G>A (NM_001374502.1); c.-427+9G>A (NM_001374500.1); c.-300+9G>A (NM_001374501.1, NM_001292028.2); c.-26+9G>A (NM_001292027.2); c.112+9G>A (NM_001374498.1, NM_001374497.1); and 1 more.
Identifiers: ClinVar variation 4993019 (VCV004993019.1).